The following is an entry in ClinVar:

ClinVar aggregate classification (germline): Uncertain significance. Review status: criteria provided, multiple submitters, no conflicts (2 of 4 stars). 5 submissions from 5 submitters: Uncertain significance (5). Last evaluated 2026-01-21.

Conditions:
Hereditary cancer-predisposing syndrome. Also called: Hereditary neoplastic syndrome; Hereditary Cancer Syndrome; Tumor predisposition; Neoplastic Syndromes, Hereditary. Identifiers: Orphanet 140162, MedGen C0027672, MeSH D009386, MONDO:0015356.
Familial cancer of breast. Also called: hereditary breast carcinoma; Hereditary breast cancer; BREAST CANCER, FAMILIAL. Identifiers: Orphanet 227535, MedGen C0346153, MONDO:0016419, OMIM 114480. Disease mechanism: loss of function.
Hereditary breast ovarian cancer syndrome. Also called: Breast and ovarian cancer; Hereditary breast and ovarian cancer; BRCA1- and BRCA2-Associated Hereditary Breast and Ovarian Cancer; Hereditary breast and/or ovarian cancer syndrome; Hereditary breast and ovarian cancer syndrome; Hereditary breast and ovarian cancer syndrome (HBOC). Identifiers: Orphanet 145, MedGen C0677776, MeSH D061325, MONDO:0003582. Disease mechanism: loss of function.

Allele frequency attached by ClinVar (database versions not stated): TOPMed 0.00001; gnomAD exomes below 0.00001 and 0.00001.

Submissions (5):

Labcorp Genetics (formerly Invitae), Labcorp
Classification: Uncertain significance for Familial cancer of breast. Last evaluated: 2026-01-21. Review status: criteria provided, single submitter. Criteria: Invitae Variant Classification Sherloc (09022015). Collection method: clinical testing. Allele origin: germline.
Comment: This sequence change replaces valine, which is neutral and non-polar, with methionine, which is neutral and non-polar, at codon 477 of the BARD1 protein (p.Val477Met). This variant is present in population databases (no rsID available, gnomAD 0.0009%). This missense change has been observed in individual(s) with colon cancer (PMID: 27978560). ClinVar contains an entry for this variant (Variation ID: 438894). An algorithm developed to predict the effect of missense changes on protein structure and function (PolyPhen-2) suggests that this variant is likely to be disruptive. In summary, the available evidence is currently insufficient to determine the role of this variant in disease. Therefore, it has been classified as a Variant of Uncertain Significance.

Ambry Genetics
Classification: Uncertain significance for Hereditary cancer-predisposing syndrome. Last evaluated: 2024-08-09. Review status: criteria provided, single submitter. Criteria: Ambry Variant Classification Scheme 2023. Collection method: clinical testing. Allele origin: germline.
Comment: The p.V477M variant (also known as c.1429G>A), located in coding exon 6 of the BARD1 gene, results from a G to A substitution at nucleotide position 1429. The valine at codon 477 is replaced by methionine, an amino acid with highly similar properties. This variant was observed in an individual with early onset-breast cancer amongst a cohort of 1781 non-Ashkenazi Jewish individuals undergoing BRCA1/2 gene testing based on a personal history of breast cancer (Tung N et al. Cancer, 2015 Jan;121:25-33). This variant was also reported in a study of 1297 cases of early-onset breast cancer and 1121 controls (Young EL et al. J Med Genet, 2016 Jun;53:366-76). (Pearlman R et al. JAMA Oncol, 2017 Apr;3:464-471). This amino acid position is highly conserved in available vertebrate species. In addition, the in silico prediction for this alteration is inconclusive. Based on the available evidence, the clinical significance of this variant remains unclear.

National Health Laboratory Service, Universitas Academic Hospital and University of the Free State
Classification: Uncertain significance for Hereditary breast ovarian cancer syndrome. Last evaluated: 2022-04-19. Review status: criteria provided, single submitter. Criteria: ACMG Guidelines, 2015. Collection method: clinical testing. Allele origin: germline. Affected: yes. Observed: 1 variant allele.

Color Diagnostics, LLC DBA Color Health
Classification: Uncertain significance for Hereditary cancer-predisposing syndrome. Last evaluated: 2020-09-28. Review status: criteria provided, single submitter. Criteria: ACMG Guidelines, 2015. Collection method: clinical testing. Allele origin: germline.
Comment: This missense variant replaces valine with methionine at codon 477 of the BARD1 protein. Computational prediction is inconclusive regarding the impact of this variant on protein structure and function (internally defined REVEL score threshold 0.5 < inconclusive < 0.7, PMID: 27666373). To our knowledge, functional studies have not been reported for this variant. This variant has been reported in an individual affected with colorectal cancer (PMID: 27978560). This variant has been identified in 1/251272 chromosomes in the general population by the Genome Aggregation Database (gnomAD). The available evidence is insufficient to determine the role of this variant in disease conclusively. Therefore, this variant is classified as a Variant of Uncertain Significance.

Quest Diagnostics Nichols Institute San Juan Capistrano
Classification: Uncertain significance. Last evaluated: 2016-12-01. Review status: criteria provided, single submitter. Criteria: Quest Diagnostics criteria. Collection method: clinical testing. Allele origin: germline.

Literature cited by the submitters: PubMed 27978560 (cited by Labcorp Genetics (formerly Invitae), Labcorp and Ambry Genetics); PubMed 25186627 (cited by Ambry Genetics); PubMed 26787654 (cited by Ambry Genetics).

NM_000465.4(BARD1):c.1429G>A (p.Val477Met)

Gene: BARD1 (BRCA1 associated RING domain 1; minus strand). Cytogenetic location: 2q35.
Variant type: single nucleotide variant.
Coding change: c.1429G>A on transcript NM_000465.4 (MANE Select); coding-DNA position 1429, G replaced by A.
Protein change: p.Val477Met; replaces valine 477 with methionine.
Molecular consequence: missense variant. On other transcripts: non-coding transcript variant (3), intron variant (3).
Genome position (GRCh38, 1-based): chr2:214,767,621, C>T on the plus strand (G>A on the coding strand, the complement: BARD1 is on the minus strand). VCF-style: chr2-214767621-C-T. GRCh37 (hg19) VCF-style: chr2-215632345-C-T.
Other names: NP_000456.2:p.Val477Met; c.1372G>A, p.Val458Met (NM_001282543.2); c.159-15066G>A (NM_001282548.2); c.216-15066G>A (NM_001282545.2); c.364+24676G>A (NM_001282549.2); short protein forms V477M, V458M.
Identifiers: ClinVar variation 438894 (VCV000438894.21), dbSNP rs1024564785, ClinGen allele CA64780066.